The following is an entry in ClinVar:

NM_175914.5(HNF4A):c.1163C>T (p.Thr388Ile)

Gene: HNF4A (hepatocyte nuclear factor 4 alpha; plus strand). Cytogenetic location: 20q13.12.
Variant type: single nucleotide variant.
Coding change: c.1163C>T on transcript NM_175914.5 (MANE Select); coding-DNA position 1163, C replaced by T.
Protein change: p.Thr388Ile; replaces threonine 388 with isoleucine.
Molecular consequence: missense variant.
Genome position (GRCh38, 1-based): chr20:44,428,434, C>T. VCF-style: chr20-44428434-C-T. GRCh37 (hg19) VCF-style: chr20-43057074-C-T.
Other names: c.1154C>T, p.Thr385Ile (NM_001287183.2, NM_001287182.2); c.1229C>T, p.Thr410Ile (NM_178849.3, NM_000457.6); c.1163C>T, p.Thr388Ile (NM_001030003.3); c.1208C>T, p.Thr403Ile (NM_001258355.2); short protein forms T410I, T403I, T385I, T388I.
Identifiers: ClinVar variation 2851752 (VCV002851752.3), dbSNP rs2063838535, ClinGen allele CA409110162.

ClinVar aggregate classification (germline): Uncertain significance (1 of 4 stars; one submission).

Allele frequency attached by ClinVar (database versions not stated): gnomAD exomes below 0.00001.
gnomAD v4.1: 1 of 1,614,174 alleles (0.000062%); highest among the groups gnomAD compares: Non-Finnish European, 0.000085%; no homozygotes.

Submission:

Labcorp Genetics (formerly Invitae), Labcorp
Classification: Uncertain significance. Last evaluated: 2023-04-03. Review status: criteria provided, single submitter. Criteria: Invitae Variant Classification Sherloc (09022015). Collection method: clinical testing. Allele origin: germline.
Comment: In summary, the available evidence is currently insufficient to determine the role of this variant in disease. Therefore, it has been classified as a Variant of Uncertain Significance. Advanced modeling of protein sequence and biophysical properties (such as structural, functional, and spatial information, amino acid conservation, physicochemical variation, residue mobility, and thermodynamic stability) has been performed at Invitae for this missense variant, however the output from this modeling did not meet the statistical confidence thresholds required to predict the impact of this variant on HNF4A protein function. This variant has not been reported in the literature in individuals affected with HNF4A-related conditions. This variant is not present in population databases (gnomAD no frequency). This sequence change replaces threonine, which is neutral and polar, with isoleucine, which is neutral and non-polar, at codon 388 of the HNF4A protein (p.Thr388Ile).